The following continues an entry in ClinVar:

NM_001035.3(RYR2):c.8162T>C (p.Ile2721Thr)

Gene: RYR2. ClinVar aggregate classification (germline): Conflicting classifications of pathogenicity. Uncertain significance (5); Benign (1); Likely benign (9).

Submissions 14 to 22 of 22:

GeneDx
Classification: Uncertain significance. Last evaluated: 2016-09-28. Review status: criteria provided, single submitter. Criteria: GeneDx Variant Classification (06012015). Collection method: clinical testing. Allele origin: germline. Affected: yes.
Comment: The I2721T variant of uncertain significance in the RYR2 gene has been previously reported intwo individuals (van Spaendonck-Zwarts et al., 2014; Hertz et al., 2015). This variant was initiallyreported as a variant of uncertain significance in one individual with atrial fibrillation and dilatedcardiomyopathy who was found to harbor additional variants of uncertain significance in theDMD and TTN genes (van Spaendonck-Zwarts et al., 2014). This variant hasalso been identified independently and in conjunction with additional cardiogenetic variants inindividuals referred for arrhythmia and cardiomyopathy genetic testing at GeneDx; however, thusfar, segregation data is limited or absent for these individuals due to the lack of clinical informationprovided and/or insufficient participation by informative family members. Additionally, theI2721T variant is classified in ClinVar as a variant of uncertain significance by two clinicallaboratories (ClinVar SCV000060449.4; SCV000285751.1; Landrum et al., 2016). The I2721Tvariant was not observed with any significant frequency in approximately 5,800 individuals ofEuropean and African American ancestry in the NHLBI Exome Sequencing Project. Although thissubstitution occurs at a position where amino acids with similar properties to Isoleucine aretolerated across species, the I2721T variant is a non-conservative amino acid substitution, which islikely to impact secondary protein structure as these residues differ in polarity, charge, size and/orother properties. Consequently, in silico analysis predicts this variant is probably damaging to theprotein structure/function. Nevertheless, the I2721T variant is not located in one of the threehot-spot regions of the RYR2 gene, where the majority of pathogenic missense variants occur(Medeiros-Domingo et al., 2009).Therefore, based on the currently available information, it is unclear whether this variant ispathogenic or rare benign.

Laboratory for Molecular Medicine, Mass General Brigham Personalized Medicine
Classification: Uncertain significance. Last evaluated: 2012-09-21. Review status: criteria provided, single submitter. Criteria: LMM Criteria. Collection method: clinical testing. Allele origin: germline. Observed: 1 variant allele.
Comment: The Ile2721Thr variant in RYR2 has not been reported in the literature nor previ ously identified by our laboratory. This variant has been identified in 4/7968 E uropean American chromosomes from a broad population by the NHLBI Exome Sequenci ng Project. Computational analyses (biochemic al amino acid properties, conservation, AlignGVGD, PolyPhen2, and SIFT) do not p rovide strong support for or against an impact to the protein. Additional inform ation is needed to fully assess the clinical significance of this variant.

PreventionGenetics, part of Exact Sciences
Classification: Likely benign for RYR2-related condition. Last evaluated: 2022-01-31. Review status: no assertion criteria provided. Collection method: clinical testing. Allele origin: germline. Not counted in ClinVar's aggregate classification.
Comment: This variant is classified as likely benign based on ACMG/AMP sequence variant interpretation guidelines (Richards et al. 2015 PMID: 25741868, with internal and published modifications).

Lupski Lab, Baylor-Hopkins CMG, Baylor College of Medicine
Classification: Uncertain significance for Wolff-Parkinson-White pattern. Last evaluated: 2017-07-14. Review status: no assertion criteria provided. Collection method: research. Allele origin: inherited. Affected: yes. Observed: 1 variant allele. Study: Candidate_variants_in_patients_with_ Wolff-Parkinson-White Syndrome. Not counted in ClinVar's aggregate classification.

Clinical Genetics DNA and cytogenetics Diagnostics Lab, Erasmus MC, Erasmus Medical Center
Classification: Likely benign. Review status: no assertion criteria provided. Collection method: clinical testing. Allele origin: germline. Affected: yes. Study: VKGL Data-share Consensus. Not counted in ClinVar's aggregate classification.

Clinical Genetics, Academic Medical Center
Classification: Likely benign. Review status: no assertion criteria provided. Collection method: clinical testing. Allele origin: germline. Affected: yes. Study: VKGL Data-share Consensus. Not counted in ClinVar's aggregate classification.

Diagnostic Laboratory, Department of Genetics, University Medical Center Groningen
Classification: Likely benign. Review status: no assertion criteria provided. Collection method: clinical testing. Allele origin: germline. Affected: yes. Study: VKGL Data-share Consensus. Not counted in ClinVar's aggregate classification.

Genome Diagnostics Laboratory, University Medical Center Utrecht
Classification: Likely benign. Review status: no assertion criteria provided. Collection method: clinical testing. Allele origin: germline. Affected: yes. Study: VKGL Data-share Consensus. Not counted in ClinVar's aggregate classification.

Joint Genome Diagnostic Labs from Nijmegen and Maastricht, Radboudumc and MUMC+
Classification: Likely benign. Review status: no assertion criteria provided. Collection method: clinical testing. Allele origin: germline. Affected: yes. Study: VKGL Data-share Consensus. Not counted in ClinVar's aggregate classification.

Literature cited by the submitters: PubMed 24558114 (cited by Women's Health and Genetics/Laboratory Corporation of America, LabCorp); PubMed 25925909 (cited by Women's Health and Genetics/Laboratory Corporation of America, LabCorp); PubMed 28404607 (cited by Women's Health and Genetics/Laboratory Corporation of America, LabCorp); PubMed 25467552 (cited by Women's Health and Genetics/Laboratory Corporation of America, LabCorp); PubMed 31112425 (cited by Women's Health and Genetics/Laboratory Corporation of America, LabCorp); PubMed 31337358 (cited by Women's Health and Genetics/Laboratory Corporation of America, LabCorp); PubMed 32233023 (cited by Women's Health and Genetics/Laboratory Corporation of America, LabCorp); PubMed 28150229 (cited by Women's Health and Genetics/Laboratory Corporation of America, LabCorp); PubMed 29874177 (cited by Women's Health and Genetics/Laboratory Corporation of America, LabCorp).